The following is an entry in ClinVar:

NM_024989.4(PGAP1):c.1999T>A (p.Leu667Ile)

Gene: PGAP1 (post-GPI attachment to proteins inositol deacylase 1; minus strand). Cytogenetic location: 2q33.1.
Variant type: single nucleotide variant.
Coding change: c.1999T>A on transcript NM_024989.4 (MANE Select); coding-DNA position 1999, T replaced by A.
Protein change: p.Leu667Ile; replaces leucine 667 with isoleucine.
Molecular consequence: missense variant.
Genome position (GRCh38, 1-based): chr2:196,847,154, A>T on the plus strand (T>A on the coding strand, the complement: PGAP1 is on the minus strand). VCF-style: chr2-196847154-A-T. GRCh37 (hg19) VCF-style: chr2-197711878-A-T.
Other names: c.1477T>A, p.Leu493Ile (NM_001321099.2); c.832T>A, p.Leu278Ile (NM_001321100.2); short protein forms L278I, L493I, L667I.
Identifiers: ClinVar variation 1723566 (VCV001723566.4), dbSNP rs2469096527, ClinGen allele CA350187169.

ClinVar aggregate classification (germline): Uncertain significance (1 of 4 stars; one submission).

Submission:

GeneDx
Classification: Uncertain significance. Last evaluated: 2024-12-06. Review status: criteria provided, single submitter. Criteria: GeneDx Variant Classification Process June 2021. Collection method: clinical testing. Allele origin: germline. Affected: yes.
Comment: Not observed at significant frequency in large population cohorts (gnomAD); In silico analysis indicates that this missense variant does not alter protein structure/function; Has not been previously published as pathogenic or benign to our knowledge